The following is an entry in ClinVar:

ClinVar aggregate classification (germline): Uncertain significance (1 of 4 stars; one submission).

Conditions:
Gastrointestinal stromal tumor. Also called: Gastrointestinal stromal tumor, somatic; Gastrointestinal stroma tumor. Identifiers: Orphanet 44890, MedGen C0238198, MeSH D046152, MONDO:0011719, OMIM 606764, HP:0100723.

Submission:

Labcorp Genetics (formerly Invitae), Labcorp
Classification: Uncertain significance for Gastrointestinal stromal tumor. Last evaluated: 2023-11-10. Review status: criteria provided, single submitter. Criteria: Invitae Variant Classification Sherloc (09022015). Collection method: clinical testing. Allele origin: germline.
Comment: This sequence change replaces lysine, which is basic and polar, with threonine, which is neutral and polar, at codon 630 of the PDGFRA protein (p.Lys630Thr). This variant is not present in population databases (gnomAD no frequency). This variant has not been reported in the literature in individuals affected with PDGFRA-related conditions. An algorithm developed to predict the effect of missense changes on protein structure and function (PolyPhen-2) suggests that this variant is likely to be disruptive. In summary, the available evidence is currently insufficient to determine the role of this variant in disease. Therefore, it has been classified as a Variant of Uncertain Significance.

NM_006206.6(PDGFRA):c.1889A>C (p.Lys630Thr)

Gene: PDGFRA (platelet derived growth factor receptor alpha; plus strand). Cytogenetic location: 4q12.
Variant type: single nucleotide variant.
Coding change: c.1889A>C on transcript NM_006206.6 (MANE Select); coding-DNA position 1889, A replaced by C.
Protein change: p.Lys630Thr; replaces lysine 630 with threonine.
Molecular consequence: missense variant.
Genome position (GRCh38, 1-based): chr4:54,277,490, A>C. VCF-style: chr4-54277490-A-C. GRCh37 (hg19) VCF-style: chr4-55143657-A-C.
Other names: c.1889A>C, p.Lys630Thr (NM_001347827.2, NM_001347829.2); c.1964A>C, p.Lys655Thr (NM_001347828.2); c.1928A>C, p.Lys643Thr (NM_001347830.2); short protein forms K655T, K630T, K643T.
Identifiers: ClinVar variation 2694692 (VCV002694692.3), dbSNP rs2475508268, ClinGen allele CA356893543.